The following is an entry in ClinVar:

NM_182493.3(MYLK3):c.444G>T (p.Trp148Cys)

Gene: MYLK3 (myosin light chain kinase 3; minus strand). Cytogenetic location: 16q11.2.
Variant type: single nucleotide variant.
Coding change: c.444G>T on transcript NM_182493.3 (MANE Select); coding-DNA position 444, G replaced by T.
Protein change: p.Trp148Cys; replaces tryptophan 148 with cysteine.
Molecular consequence: missense variant. On other transcripts: intron variant (1).
Genome position (GRCh38, 1-based): chr16:46,747,750, C>A on the plus strand (G>T on the coding strand, the complement: MYLK3 is on the minus strand). VCF-style: chr16-46747750-C-A. GRCh37 (hg19) VCF-style: chr16-46781662-C-A.
Other names: c.-113-7603G>T (NM_001308301.1); short protein forms W148C.
Identifiers: ClinVar variation 1517162 (VCV001517162.6), dbSNP rs2143017165, ClinGen allele CA395796795.

ClinVar aggregate classification (germline): Uncertain significance (1 of 4 stars; one submission).

Allele frequency attached by ClinVar (database versions not stated): gnomAD exomes below 0.00001.

Submission:

Labcorp Genetics (formerly Invitae), Labcorp
Classification: Uncertain significance. Last evaluated: 2021-09-03. Review status: criteria provided, single submitter. Criteria: Invitae Variant Classification Sherloc (09022015). Collection method: clinical testing. Allele origin: germline.
Comment: This sequence change replaces tryptophan with cysteine at codon 148 of the MYLK3 protein (p.Trp148Cys). The tryptophan residue is weakly conserved and there is a large physicochemical difference between tryptophan and cysteine. This variant has not been reported in the literature in individuals affected with MYLK3-related conditions. This variant is not present in population databases (ExAC no frequency). In summary, the available evidence is currently insufficient to determine the role of this variant in disease. Therefore, it has been classified as a Variant of Uncertain Significance. Algorithms developed to predict the effect of missense changes on protein structure and function are either unavailable or do not agree on the potential impact of this missense change (SIFT: "Tolerated"; PolyPhen-2: "Probably Damaging"; Align-GVGD: "Class C0").